The following is an entry in ClinVar:

NM_006341.4(MAD2L2):c.607G>A (p.Val203Met)

Gene: MAD2L2 (mitotic arrest deficient 2 like 2; minus strand). Cytogenetic location: 1p36.22.
Variant type: single nucleotide variant.
Coding change: c.607G>A on transcript NM_006341.4 (MANE Select); coding-DNA position 607, G replaced by A.
Protein change: p.Val203Met; replaces valine 203 with methionine.
Molecular consequence: missense variant.
Genome position (GRCh38, 1-based): chr1:11,674,804, C>T on the plus strand (G>A on the coding strand, the complement: MAD2L2 is on the minus strand). VCF-style: chr1-11674804-C-T. GRCh37 (hg19) VCF-style: chr1-11734861-C-T.
Other names: c.607G>A, p.Val203Met (NM_001127325.2); short protein forms V203M.
Identifiers: ClinVar variation 2184419 (VCV002184419.4), dbSNP rs757456103, ClinGen allele CA593629.

ClinVar aggregate classification (germline): Uncertain significance (1 of 4 stars; one submission).

Allele frequency attached by ClinVar (database versions not stated): gnomAD exomes below 0.00001; ExAC 0.00002; TOPMed 0.00002.
gnomAD v4.1: 4 of 1,613,620 alleles (0.00025%); highest among the groups gnomAD compares: African/African-American, 0.0013%; no homozygotes.

Submission:

Labcorp Genetics (formerly Invitae), Labcorp
Classification: Uncertain significance. Last evaluated: 2026-02-04. Review status: criteria provided, single submitter. Criteria: Invitae Variant Classification Sherloc (09022015). Collection method: clinical testing. Allele origin: germline.
Comment: This sequence change replaces valine, which is neutral and non-polar, with methionine, which is neutral and non-polar, at codon 203 of the MAD2L2 protein (p.Val203Met). This variant is present in population databases (rs757456103, gnomAD 0.004%). This variant has not been reported in the literature in individuals affected with MAD2L2-related conditions. ClinVar contains an entry for this variant (Variation ID: 2184419). An algorithm developed to predict the effect of missense changes on protein structure and function (PolyPhen-2) suggests that this variant is likely to be disruptive. In summary, the available evidence is currently insufficient to determine the role of this variant in disease. Therefore, it has been classified as a Variant of Uncertain Significance.